The following is an entry in ClinVar:

NM_201384.3(PLEC):c.7147G>A (p.Glu2383Lys)

Gene: PLEC (plectin; minus strand). Cytogenetic location: 8q24.3.
Variant type: single nucleotide variant.
Coding change: c.7147G>A on transcript NM_201384.3 (MANE Select); coding-DNA position 7147, G replaced by A.
Protein change: p.Glu2383Lys; replaces glutamic acid 2383 with lysine.
Molecular consequence: missense variant. On other transcripts: intron variant (1).
Genome position (GRCh38, 1-based): chr8:143,922,782, C>T on the plus strand (G>A on the coding strand, the complement: PLEC is on the minus strand). VCF-style: chr8-143922782-C-T. GRCh37 (hg19) VCF-style: chr8-144996950-C-T.
Other names: c.7228G>A, p.Glu2410Lys (NM_000445.5); c.7105G>A, p.Glu2369Lys (NM_201378.4); c.7081G>A, p.Glu2361Lys (NM_201379.3); c.7558G>A, p.Glu2520Lys (NM_201380.4); c.7051G>A, p.Glu2351Lys (NM_201381.3); c.7147G>A, p.Glu2383Lys (NM_201382.4); c.7159G>A, p.Glu2387Lys (NM_201383.3); c.4126-387G>A (NM_001410941.1); short protein forms E2387K, E2410K, E2520K, E2351K, E2383K, E2361K, E2369K.
Identifiers: ClinVar variation 4791852 (VCV004791852.1).

ClinVar aggregate classification (germline): Uncertain significance (1 of 4 stars; one submission).

Conditions:
Epidermolysis bullosa simplex with nail dystrophy (EBS5D). Identifiers: MedGen C4225309, MONDO:0014661, OMIM 616487.
Epidermolysis bullosa simplex, Ogna type (EBS5A). Also called: EPIDERMOLYSIS BULLOSA SIMPLEX 5A, OGNA TYPE; Pidermolysis bullosa simplex 5A, Ogna type. Identifiers: Orphanet 79401, MedGen C0432317, MONDO:0007555, OMIM 131950.
Autosomal recessive limb-girdle muscular dystrophy type 2Q (LGMDR17). Also called: MUSCULAR DYSTROPHY, LIMB-GIRDLE, AUTOSOMAL RECESSIVE 17. Identifiers: Orphanet 254361, MedGen C3150989, MONDO:0013390, OMIM 613723.
Epidermolysis bullosa simplex 5B, with muscular dystrophy (EBS5B). Also called: EPIDERMOLYSIS BULLOSA SIMPLEX AND LIMB-GIRDLE MUSCULAR DYSTROPHY; Epidermolysis bullosa simplex with muscular dystrophy. Identifiers: Orphanet 257, MedGen C2931072, MONDO:0009181, OMIM 226670.
Epidermolysis bullosa simplex 5C, with pyloric atresia (EBS5C). Also called: PLEC-Related Epidermolysis Bullosa with Pyloric Atresia; Epidermolysis bullosa simplex with pyloric atresia; PLEC1-Related Epidermolysis Bullosa with Pyloric Atresia. Identifiers: Orphanet 158684, MedGen C2677349, MONDO:0012807, OMIM 612138.

Submission:

Labcorp Genetics (formerly Invitae), Labcorp
Classification: Uncertain significance for Autosomal recessive limb-girdle muscular dystrophy type 2Q; Epidermolysis bullosa simplex, Ogna type; Epidermolysis bullosa simplex with nail dystrophy; Epidermolysis bullosa simplex 5C, with pyloric atresia; Epidermolysis bullosa simplex 5B, with muscular dystrophy. Last evaluated: 2025-09-20. Review status: criteria provided, single submitter. Criteria: Invitae Variant Classification Sherloc (09022015). Collection method: clinical testing. Allele origin: germline.
Comment: This sequence change replaces glutamic acid, which is acidic and polar, with lysine, which is basic and polar, at codon 2410 of the PLEC protein (p.Glu2410Lys). This variant is not present in population databases (gnomAD no frequency). This variant has not been reported in the literature in individuals affected with PLEC-related conditions. An algorithm developed to predict the effect of missense changes on protein structure and function (PolyPhen-2) suggests that this variant is likely to be disruptive. In summary, the available evidence is currently insufficient to determine the role of this variant in disease. Therefore, it has been classified as a Variant of Uncertain Significance.